The following is an entry in ClinVar:

ClinVar aggregate classification (germline): Pathogenic (1 of 4 stars; one submission).

Conditions:
Duchenne muscular dystrophy (DMD). Also called: MUSCULAR DYSTROPHY, PSEUDOHYPERTROPHIC PROGRESSIVE, DUCHENNE TYPE; Duchenne Muscular Dystrophy (DMD). Identifiers: Orphanet 98896, MedGen C0013264, MONDO:0010679, OMIM 310200.

Submission:

Labcorp Genetics (formerly Invitae), Labcorp
Classification: Pathogenic for Duchenne muscular dystrophy. Last evaluated: 2023-05-13. Review status: criteria provided, single submitter. Criteria: Invitae Variant Classification Sherloc (09022015). Collection method: clinical testing. Allele origin: germline.
Comment: This sequence change creates a premature translational stop signal (p.Leu1854Tyrfs*11) in the DMD gene. It is expected to result in an absent or disrupted protein product. Loss-of-function variants in DMD are known to be pathogenic (PMID: 16770791, 25007885). For these reasons, this variant has been classified as Pathogenic. This premature translational stop signal has been observed in individual(s) with Duchenne muscular dystrophy (PMID: 20485447). This variant is not present in population databases (gnomAD no frequency).

Literature cited by the submitters: PubMed 16770791; PubMed 25007885; PubMed 20485447.

NM_004006.3(DMD):c.5559del (p.Leu1854fs)

Gene: DMD (dystrophin; minus strand). Cytogenetic location: Xp21.1.
Variant type: Deletion.
Coding change: c.5559del on transcript NM_004006.3 (MANE Select); coding-DNA position 5559, one base deleted (G; older notation c.5559delG).
Protein change: p.Leu1854fs; shifts the reading frame from leucine 1854.
Molecular consequence: frameshift variant.
Genome position (GRCh38, 1-based): chrX:32,345,970, C deleted on the plus strand (G on the coding strand, the reverse complement: DMD is on the minus strand). VCF-style (leftmost placement, unchanged base first): chrX-32345969-AC-A. GRCh37 (hg19) VCF-style: chrX-32364086-AC-A.
Other names: c.5535del, p.Leu1846fs (NM_000109.4); c.5547del, p.Leu1850fs (NM_004009.3); c.5190del, p.Leu1731fs (NM_004010.3); c.1536del, p.Leu513fs (NM_004011.4); c.1527del, p.Leu510fs (NM_004012.4); short protein forms L510fs, L1731fs, L1846fs, L513fs, L1850fs, L1854fs.
Identifiers: ClinVar variation 2863931 (VCV002863931.3), dbSNP rs2521960553, ClinGen allele CA2739270749.
Genomic context (GRCh38, chrX:32,345,969, plus strand): 5'-CAGGCAAGGTATATTATAATTTTAGCTCTAATACCTTGAGAGCATTATGTTTTGTCTGTA[AC>A]AGCTGCTGTTTTATCTTTATTTCCTCTCGCTTTCTCTCATCTGTGATTCTTTGTTGTAAG-3'